The following is an entry in ClinVar:

NM_001039213.4(CEACAM16):c.820G>A (p.Gly274Ser)

Genes: CEACAM16 (CEA cell adhesion molecule 16, tectorial membrane component; plus strand), CEACAM16-AS1 (CEACAM16, CEACAM19 and PVR antisense RNA 1; minus strand). Cytogenetic location: 19q13.32.
Variant type: single nucleotide variant.
Coding change: c.820G>A on transcript NM_001039213.4 (MANE Select); coding-DNA position 820, G replaced by A.
Protein change: p.Gly274Ser; replaces glycine 274 with serine.
Molecular consequence: missense variant.
Genome position (GRCh38, 1-based): chr19:44,705,748, G>A. VCF-style: chr19-44705748-G-A. GRCh37 (hg19) VCF-style: chr19-45209018-G-A.
Other names: short protein forms G274S.
Identifiers: ClinVar variation 4680954 (VCV004680954.1).

ClinVar aggregate classification (germline): Uncertain significance (1 of 4 stars; one submission).

gnomAD v4.1: 18 of 1,613,978 alleles (0.0011%); highest among the groups gnomAD compares: East Asian, 0.016%; no homozygotes.

Submission:

GeneDx
Classification: Uncertain significance. Last evaluated: 2025-07-01. Review status: criteria provided, single submitter. Criteria: GeneDx Variant Classification Process June 2021. Collection method: clinical testing. Allele origin: germline. Affected: yes.
Comment: In silico analysis suggests that this missense variant does not alter protein structure/function; Has not been previously published as pathogenic or benign to our knowledge